The following is an entry in ClinVar:

NM_001283009.2(RTEL1):c.2080del (p.Ala694fs)

Genes: RTEL1 (regulator of telomere elongation helicase 1; plus strand), RTEL1-TNFRSF6B (RTEL1-TNFRSF6B readthrough (NMD candidate); plus strand). Cytogenetic location: 20q13.33.
Variant type: Deletion.
Coding change: c.2080del on transcript NM_001283009.2 (MANE Select); coding-DNA position 2080, one base deleted (G; older notation c.2080delG).
Protein change: p.Ala694fs; shifts the reading frame from alanine 694.
Molecular consequence: frameshift variant. On other transcripts: non-coding transcript variant (1).
Genome position (GRCh38, 1-based): chr20:63,689,804, G deleted; the last of 2 consecutive G bases (chr20:63,689,803-63,689,804); deleting either gives the same sequence. VCF-style (leftmost placement, unchanged base first): chr20-63689802-AG-A. GRCh37 (hg19) VCF-style: chr20-62321155-AG-A.
Other names: c.1411del, p.Ala471fs (NM_001283010.1); c.2080del, p.Ala694fs (NM_016434.4); c.2152del, p.Ala718fs (NM_032957.5); short protein forms A718fs, A694fs, A471fs.
Identifiers: ClinVar variation 2937453 (VCV002937453.3), dbSNP rs2517135025, ClinGen allele CA2740094669.
Genomic context (GRCh38, chr20:63,689,802, plus strand): 5'-CCCCACAGTTCCTCTCTGGGCAGGAGTGGTACCGGCAGCAGGCGTCCAGGGCTGTGAACC[AG>A]GCCATCGGGCGAGTGATCCGGCACCGCCAGGACTACGGAGCTGTCTTCCTCTGTGACCAC-3'

ClinVar aggregate classification (germline): Pathogenic (1 of 4 stars; one submission).

Conditions:
Dyskeratosis congenita, autosomal recessive 5 (DKCB5). Identifiers: MedGen C3554656, MONDO:0014076, OMIM 615190.
Pulmonary fibrosis and/or bone marrow failure, Telomere-related, 3. Also called: PULMONARY FIBROSIS AND/OR BONE MARROW FAILURE SYNDROME, TELOMERE-RELATED, 3. Identifiers: Orphanet 2032, MedGen C4225346, MONDO:0014613, OMIM 616373.

Submission:

Labcorp Genetics (formerly Invitae), Labcorp
Classification: Pathogenic for Dyskeratosis congenita, autosomal recessive 5; Pulmonary fibrosis and/or bone marrow failure, Telomere-related, 3. Last evaluated: 2023-02-16. Review status: criteria provided, single submitter. Criteria: Invitae Variant Classification Sherloc (09022015). Collection method: clinical testing. Allele origin: germline.
Comment: For these reasons, this variant has been classified as Pathogenic. This sequence change creates a premature translational stop signal (p.Ala694Profs*5) in the RTEL1 gene. It is expected to result in an absent or disrupted protein product. Loss-of-function variants in RTEL1 are known to be pathogenic (PMID: 23453664, 23959892, 25607374). This variant is not present in population databases (gnomAD no frequency). This variant has not been reported in the literature in individuals affected with RTEL1-related conditions.

Literature cited by the submitters: PubMed 23453664; PubMed 23959892; PubMed 25607374.